The following is an entry in ClinVar:

NM_000135.4(FANCA):c.4321C>T (p.Gln1441Ter)

Genes: FANCA (FA complementation group A; minus strand), ZNF276 (zinc finger protein 276; plus strand). Cytogenetic location: 16q24.3.
Variant type: single nucleotide variant.
Coding change: c.4321C>T on transcript NM_000135.4 (MANE Select); coding-DNA position 4321, C replaced by T.
Protein change: p.Gln1441Ter; replaces glutamine 1441 with a stop codon.
Molecular consequence: nonsense. On other transcripts: 3 prime UTR variant (3), non-coding transcript variant (4).
Genome position (GRCh38, 1-based): chr16:89,738,648, G>A on the plus strand (C>T on the coding strand, the complement: FANCA is on the minus strand). VCF-style: chr16-89738648-G-A. GRCh37 (hg19) VCF-style: chr16-89805056-G-A.
Other names: c.*50C>T (NM_001286167.3); c.*402G>A (NM_001113525.2, NM_152287.4); short protein forms Q1441*.
Identifiers: ClinVar variation 2077006 (VCV002077006.4), dbSNP rs937443966, ClinGen allele CA286613815.

ClinVar aggregate classification (germline): Uncertain significance (1 of 4 stars; one submission).

Conditions:
Fanconi anemia (FA). Also called: Fanconi's anemia. Identifiers: Orphanet 84, MedGen C0015625, MeSH D005199, MONDO:0019391.

Allele frequency attached by ClinVar (database versions not stated): gnomAD exomes below 0.00001.
gnomAD v4.1: 2 of 1,613,458 alleles (0.00012%); highest among the groups gnomAD compares: African/African-American, 0.0013%; no homozygotes.

Submission:

Labcorp Genetics (formerly Invitae), Labcorp
Classification: Uncertain significance for Fanconi anemia. Last evaluated: 2023-12-18. Review status: criteria provided, single submitter. Criteria: Invitae Variant Classification Sherloc (09022015). Collection method: clinical testing. Allele origin: germline.
Comment: This sequence change creates a premature translational stop signal (p.Gln1441*) in the FANCA gene. While this is not anticipated to result in nonsense mediated decay, it is expected to disrupt the last 15 amino acid(s) of the FANCA protein. This variant is not present in population databases (gnomAD no frequency). This variant has not been reported in the literature in individuals affected with FANCA-related conditions. ClinVar contains an entry for this variant (Variation ID: 2077006). In summary, the available evidence is currently insufficient to determine the role of this variant in disease. Therefore, it has been classified as a Variant of Uncertain Significance.